The following is an entry in ClinVar:

ClinVar aggregate classification (germline): Benign. Review status: criteria provided, multiple submitters, no conflicts (2 of 4 stars). 4 submissions from 4 submitters: Benign (3). 1 of the submissions does not count toward it. Last evaluated 2021-05-14.

Conditions:
Neuronal ceroid lipofuscinosis 1 (CLN1). Also called: CEROID LIPOFUSCINOSIS, NEURONAL, 1, VARIABLE AGE AT ONSET; PPT1-Related Neuronal Ceroid-Lipofuscinosis. Identifiers: Orphanet 228329, MedGen C1850451, MONDO:0009744, OMIM 256730.

Allele frequency attached by ClinVar (database versions not stated): 1000 Genomes Project 30x 0.65272; 1000 Genomes Project 0.66074; gnomAD exomes 0.69255; TOPMed 0.69316; gnomAD 0.69601 and 0.69788.
gnomAD v4.1: 120,777 of 173,292 alleles (70%); highest among the groups gnomAD compares: Non-Finnish European, 74%; 42,478 homozygotes.

Submissions (4):

GeneDx
Classification: Benign. Last evaluated: 2021-05-14. Review status: criteria provided, single submitter. Criteria: GeneDx Variant Classification Process June 2021. Collection method: clinical testing. Allele origin: germline. Affected: yes.

Illumina Laboratory Services, Illumina
Classification: Benign for Neuronal ceroid lipofuscinosis 1. Last evaluated: 2018-01-12. Review status: criteria provided, single submitter. Criteria: ICSL Variant Classification Criteria 13 December 2019. Collection method: clinical testing. Allele origin: germline.
Comment: This variant was observed in the ICSL laboratory as part of a predisposition screen in an ostensibly healthy population. It had not been previously curated by ICSL or reported in the Human Gene Mutation Database (HGMD: prior to June 1st, 2018), and was therefore a candidate for classification through an automated scoring system. Utilizing variant allele frequency, disease prevalence and penetrance estimates, and inheritance mode, an automated score was calculated to assess if this variant is too frequent to cause the disease. Based on the score and internal cut-off values, a variant classified as benign is not then subjected to further curation. The score for this variant resulted in a classification of benign for this disease.

Breakthrough Genomics
Classification: Benign. Review status: criteria provided, single submitter. Criteria: ACMG Guidelines, 2015. Collection method: not provided. Allele origin: germline. Inheritance: Autosomal recessive inheritance. Affected: yes.

Natera, Inc.
Classification: Benign for Neuronal ceroid lipofuscinosis 1. Last evaluated: 2019-08-28. Review status: no assertion criteria provided. Collection method: clinical testing. Allele origin: germline. Not counted in ClinVar's aggregate classification.

NM_000310.4(PPT1):c.*505C>G

Gene: PPT1 (palmitoyl-protein thioesterase 1; minus strand). Cytogenetic location: 1p34.2.
Variant type: single nucleotide variant.
Coding change: c.*505C>G on transcript NM_000310.4 (MANE Select); 505 bases downstream of the stop codon, C replaced by G.
Molecular consequence: 3 prime UTR variant.
Genome position (GRCh38, 1-based): chr1:40,073,556, G>C on the plus strand (C>G on the coding strand, the complement: PPT1 is on the minus strand). VCF-style: chr1-40073556-G-C. GRCh37 (hg19) VCF-style: chr1-40539228-G-C.
Other names: c.*505C>G (NM_001142604.2, NM_001363695.2).
Identifiers: ClinVar variation 297234 (VCV000297234.11), dbSNP rs1126972, ClinGen allele CA10611120.
Genomic context (GRCh38, chr1:40,073,556, plus strand): 5'-AGGCCAGTGGGATTTGTCTAATAATTGATGATAAGATGATAGCACAGAGGGCAACGTACT[G>C]AGAGAGGAAGGCAGCCTTAAGAAATGATGCAGAAATAGCCAAGCAAGATTTTTCCAAGCA-3'